The following is an entry in ClinVar:

NM_173477.5(USH1G):c.300G>A (p.Thr100=)

Gene: USH1G (USH1 protein network component sans; minus strand). Cytogenetic location: 17q25.1.
Variant type: single nucleotide variant.
Coding change: c.300G>A on transcript NM_173477.5 (MANE Select); coding-DNA position 300, G replaced by A.
Protein change: p.Thr100=; no amino-acid change (threonine 100 retained).
Molecular consequence: synonymous variant. On other transcripts: 5 prime UTR variant (1).
Genome position (GRCh38, 1-based): chr17:74,920,536, C>T on the plus strand (G>A on the coding strand, the complement: USH1G is on the minus strand). VCF-style: chr17-74920536-C-T. GRCh37 (hg19) VCF-style: chr17-72916631-C-T.
Other names: c.300G>A (NM_173477.2); c.-10G>A (NM_001282489.3).
Identifiers: ClinVar variation 1559103 (VCV001559103.9), dbSNP rs374260443, ClinGen allele CA8754097.

ClinVar aggregate classification (germline): Conflicting classifications of pathogenicity. Review status: criteria provided, conflicting classifications (1 of 4 stars). 2 submissions from 2 submitters: Uncertain significance (1); Likely benign (1). Last evaluated 2023-12-19.

Allele frequency attached by ClinVar (database versions not stated): gnomAD exomes below 0.00001 and 0.00001; ExAC 0.00002; gnomAD 0.00003; TOPMed 0.00005; ESP Exome Variant Server 0.00008.

Submissions (2):

GeneDx
Classification: Uncertain significance. Last evaluated: 2023-12-19. Review status: criteria provided, single submitter. Criteria: GeneDx Variant Classification Process June 2021. Collection method: clinical testing. Allele origin: germline. Affected: yes.
Comment: In silico analysis supports that this variant does not alter splicing; Has not been previously published as pathogenic or benign to our knowledge

Labcorp Genetics (formerly Invitae), Labcorp
Classification: Likely benign. Last evaluated: 2022-06-13. Review status: criteria provided, single submitter. Criteria: Invitae Variant Classification Sherloc (09022015). Collection method: clinical testing. Allele origin: germline.